The following is an entry in ClinVar:

NM_001042545.2(LTBP4):c.2176G>A (p.Glu726Lys)

Gene: LTBP4 (latent transforming growth factor beta binding protein 4; plus strand). Cytogenetic location: 19q13.2.
Variant type: single nucleotide variant.
Coding change: c.2176G>A on transcript NM_001042545.2 (MANE Select); coding-DNA position 2176, G replaced by A.
Protein change: p.Glu726Lys; replaces glutamic acid 726 with lysine.
Molecular consequence: missense variant.
Genome position (GRCh38, 1-based): chr19:40,611,981, G>A. VCF-style: chr19-40611981-G-A. GRCh37 (hg19) VCF-style: chr19-41117887-G-A.
Other names: c.2377G>A, p.Glu793Lys (NM_001042544.1); c.2266G>A, p.Glu756Lys (NM_003573.2); short protein forms E726K, E756K, E793K.
Identifiers: ClinVar variation 2157208 (VCV002157208.15), dbSNP rs199691160, ClinGen allele CA308452248.
Genomic context (GRCh38, chr19:40,611,981, plus strand): 5'-GGCAGCTTCCAGTGTGTCTGCCCCATGGGCTTCCAACCCAACACTGCTGGCTCCGAGTGC[G>A]AGGGTGAGGCCGGGGAGGGAGGGAGGAGTGTGGATGGGTGAGGGGGGAGTTGGACCACTT-3'
Protein context (NP_001036010.1, residues 716-736): FQPNTAGSEC[Glu726Lys]DVDECENHLA

ClinVar aggregate classification (germline): Uncertain significance. Review status: criteria provided, multiple submitters, no conflicts (2 of 4 stars). 2 submissions from 2 submitters: Uncertain significance (2). Last evaluated 2024-12-01.

gnomAD v4.1: 37 of 1,611,922 alleles (0.0023%); highest among the groups gnomAD compares: South Asian, 0.0066%; no homozygotes.

Submissions (2):

CeGaT Center for Human Genetics Tuebingen
Classification: Uncertain significance. Last evaluated: 2024-12-01. Review status: criteria provided, single submitter. Criteria: CeGaT Center For Human Genetics Tuebingen Variant Classification Criteria Version 2. Collection method: clinical testing. Allele origin: germline. Affected: yes. Observed: 1 variant allele.
Comment: LTBP4: PM2

Labcorp Genetics (formerly Invitae), Labcorp
Classification: Uncertain significance. Last evaluated: 2022-07-19. Review status: criteria provided, single submitter. Criteria: Invitae Variant Classification Sherloc (09022015). Collection method: clinical testing. Allele origin: germline.
Comment: In summary, the available evidence is currently insufficient to determine the role of this variant in disease. Therefore, it has been classified as a Variant of Uncertain Significance. Experimental studies and prediction algorithms are not available or were not evaluated, and the functional significance of this variant is currently unknown. This variant has not been reported in the literature in individuals affected with LTBP4-related conditions. This variant is present in population databases (no rsID available, gnomAD 0.003%). This sequence change replaces glutamic acid, which is acidic and polar, with lysine, which is basic and polar, at codon 756 of the LTBP4 protein (p.Glu756Lys).